The following is an entry in ClinVar:

ClinVar aggregate classification (germline): Pathogenic/Likely pathogenic. Review status: criteria provided, multiple submitters, no conflicts (2 of 4 stars). 2 submissions from 2 submitters: Pathogenic (1); Likely pathogenic (1). Last evaluated 2015-11-23.

Conditions:
Ataxia, early-onset, with oculomotor apraxia and hypoalbuminemia (EAOH). Also called: Ataxia-oculomotor apraxia type 1; ATAXIA-OCULOMOTOR APRAXIA SYNDROME; ATAXIA-TELANGIECTASIA-LIKE SYNDROME. Identifiers: Orphanet 1168, MedGen C1859598, MONDO:0008842, OMIM 208920.

Submissions (2):

Genetic Services Laboratory, University of Chicago
Classification: Pathogenic for Ataxia, early-onset, with oculomotor apraxia and hypoalbuminemia. Last evaluated: 2015-11-23. Review status: criteria provided, single submitter. Criteria: ACMG Guidelines, 2015. Collection method: clinical testing. Allele origin: germline. Affected: yes.

Neuberg Centre For Genomic Medicine, NCGM
Classification: Likely pathogenic for Ataxia, early-onset, with oculomotor apraxia and hypoalbuminemia. Review status: criteria provided, single submitter. Criteria: ACMG Guidelines, 2015. Collection method: clinical testing. Allele origin: germline. Inheritance: Autosomal recessive inheritance. Affected: yes.
Comment: The observed invariant splice acceptor c.875-2A>G variant in APTX gene has been reported previously in compound heterozygous state in individual(s) affected with early-onset ataxia with oculomotor apraxia and hypoalbuminemia (Sun M, et al., 2019). The c.875-2A>G variant is absent in gnomAD Exomes. This variant has been submitted to the ClinVar database as Pathogenic. Loss of function variants have been previously reported to be disease causing. However, additional functional studies will be required to prove the pathogenicity of this variant. For these reasons, this variant has been classified as Likely Pathogenic.

NM_001195248.2(APTX):c.875-2A>G

Gene: APTX (aprataxin; minus strand). Cytogenetic location: 9p21.1.
Variant type: single nucleotide variant.
Coding change: c.875-2A>G on transcript NM_001195248.2 (MANE Select); the canonical splice acceptor site of the intron before coding-DNA position 875, A replaced by G.
Molecular consequence: splice acceptor variant. On other transcripts: 3 prime UTR variant (4), non-coding transcript variant (1).
Genome position (GRCh38, 1-based): chr9:32,973,654, T>C on the plus strand (A>G on the coding strand, the complement: APTX is on the minus strand). VCF-style: chr9-32973654-T-C. GRCh37 (hg19) VCF-style: chr9-32973652-T-C.
Other names: c.*30A>G (NM_001195251.2, NM_001368999.1, NM_001369006.1 and 1 more transcripts); c.713-2A>G (NM_001369001.1, NM_001369000.1, NM_001195250.2 and 1 more transcripts); c.875-2A>G (NM_001368996.1, NM_001368995.1, NM_001368997.1 and 3 more transcripts); c.611-2A>G (NM_001369002.1, NM_001369003.1, NM_001369004.1 and 4 more transcripts); c.659-2A>G (NM_001195252.2).
Identifiers: ClinVar variation 434253 (VCV000434253.7), dbSNP rs904293109, ClinGen allele CA192395124.